The following is an entry in ClinVar:

ClinVar aggregate classification (germline): Uncertain significance (1 of 4 stars; one submission).

gnomAD v4.1: 2 of 1,571,780 alleles (0.00013%); highest among the groups gnomAD compares: Non-Finnish European, 0.00017%; no homozygotes.

Submission:

Labcorp Genetics (formerly Invitae), Labcorp
Classification: Uncertain significance. Last evaluated: 2025-10-15. Review status: criteria provided, single submitter. Criteria: Invitae Variant Classification Sherloc (09022015). Collection method: clinical testing. Allele origin: germline.
Comment: This sequence change replaces leucine, which is neutral and non-polar, with methionine, which is neutral and non-polar, at codon 2898 of the DCHS1 protein (p.Leu2898Met). This variant is not present in population databases (gnomAD no frequency). This variant has not been reported in the literature in individuals affected with DCHS1-related conditions. Invitae Evidence Modeling of protein sequence and biophysical properties (such as structural, functional, and spatial information, amino acid conservation, physicochemical variation, residue mobility, and thermodynamic stability) indicates that this missense variant is not expected to disrupt DCHS1 protein function with a negative predictive value of 80%. In summary, the available evidence is currently insufficient to determine the role of this variant in disease. Therefore, it has been classified as a Variant of Uncertain Significance.

NM_003737.4(DCHS1):c.8692C>A (p.Leu2898Met)

Gene: DCHS1 (dachsous cadherin-related 1; minus strand). Cytogenetic location: 11p15.4.
Variant type: single nucleotide variant.
Coding change: c.8692C>A on transcript NM_003737.4 (MANE Select); coding-DNA position 8692, C replaced by A.
Protein change: p.Leu2898Met; replaces leucine 2898 with methionine.
Molecular consequence: missense variant.
Genome position (GRCh38, 1-based): chr11:6,622,984, G>T on the plus strand (C>A on the coding strand, the complement: DCHS1 is on the minus strand). VCF-style: chr11-6622984-G-T. GRCh37 (hg19) VCF-style: chr11-6644215-G-T.
Other names: short protein forms L2898M.
Identifiers: ClinVar variation 4766993 (VCV004766993.1).